The following is an entry in ClinVar:

NM_017837.4(PIGV):c.343_350delinsTGA (p.Leu115_Ile117delinsTer)

Gene: PIGV (phosphatidylinositol glycan anchor biosynthesis class V; plus strand). Cytogenetic location: 1p36.11.
Variant type: Indel.
Coding change: c.343_350delinsTGA on transcript NM_017837.4 (MANE Select); coding-DNA positions 343 to 350, CTGCTGAT replaced by TGA.
Protein change: p.Leu115_Ile117delinsTer.
Molecular consequence: nonsense. On other transcripts: 5 prime UTR variant (1), non-coding transcript variant (1), intron variant (3).
Genome position (GRCh38, 1-based): chr1:26,794,377-26,794,384, CTGCTGAT replaced by TGA. VCF-style: chr1-26794377-CTGCTGAT-TGA. GRCh37 (hg19) VCF-style: chr1-27120868-CTGCTGAT-TGA.
Other names: c.343_350delinsTGA, p.Leu115_Ile117delinsTer (NM_001202554.2, NM_001374478.1, NM_001374480.1 and 2 more transcripts); c.-39_-32delinsTGA (NM_001374483.1); c.172+171_172+178delinsTGA (NM_001374484.1, NM_001374485.1); c.79-3186_79-3179delinsTGA (NM_001374486.1).
Identifiers: ClinVar variation 4850316 (VCV004850316.1).

ClinVar aggregate classification (germline): Likely pathogenic (1 of 4 stars; one submission).

Conditions:
Hyperphosphatasia with impaired intellectual development syndrome 1. Also called: MABRY SYNDROME; GLYCOSYLPHOSPHATIDYLINOSITOL BIOSYNTHESIS DEFECT 2; Hyperphosphatasia with intellectual disability syndrome 1. Identifiers: Orphanet 247262, MedGen C4551502, MONDO:0009398, OMIM 239300.

Submission:

First Genomix Gene Laboratory, Genetic Diagnostics Department
Classification: Likely pathogenic for Hyperphosphatasia with impaired intellectual development syndrome 1. Last evaluated: 2025-09-24. Review status: criteria provided, single submitter. Criteria: ACMG Guidelines, 2015. Collection method: clinical testing. Allele origin: germline. Inheritance: Autosomal recessive inheritance. Affected: no. Observed: 1 variant allele.